The following is an entry in ClinVar:

ClinVar aggregate classification (germline): Uncertain significance. Review status: criteria provided, multiple submitters, no conflicts (2 of 4 stars). 2 submissions from 2 submitters: Uncertain significance (2). Last evaluated 2025-07-22.

Conditions:
Inborn genetic diseases. Identifiers: MedGen C0950123, MeSH D030342.

Allele frequency attached by ClinVar (database versions not stated): ESP Exome Variant Server 0.00008.
gnomAD v4.1: 148 of 1,564,500 alleles (0.0095%); highest among the groups gnomAD compares: Middle Eastern, 0.017%; no homozygotes.

Submissions (2):

Labcorp Genetics (formerly Invitae), Labcorp
Classification: Uncertain significance. Last evaluated: 2025-07-22. Review status: criteria provided, single submitter. Criteria: Invitae Variant Classification Sherloc (09022015). Collection method: clinical testing. Allele origin: germline.
Comment: This sequence change replaces arginine, which is basic and polar, with histidine, which is basic and polar, at codon 652 of the DVL1 protein (p.Arg652His). This variant is present in population databases (rs376204834, gnomAD 0.02%). This variant has not been reported in the literature in individuals affected with DVL1-related conditions. ClinVar contains an entry for this variant (Variation ID: 1054652). Invitae Evidence Modeling of protein sequence and biophysical properties (such as structural, functional, and spatial information, amino acid conservation, physicochemical variation, residue mobility, and thermodynamic stability) indicates that this missense variant is not expected to disrupt DVL1 protein function with a negative predictive value of 80%. In summary, the available evidence is currently insufficient to determine the role of this variant in disease. Therefore, it has been classified as a Variant of Uncertain Significance.

Ambry Genetics
Classification: Uncertain significance for Inborn genetic diseases. Last evaluated: 2024-03-15. Review status: criteria provided, single submitter. Criteria: Ambry Variant Classification Scheme 2023. Collection method: clinical testing. Allele origin: germline.

NM_001330311.2(DVL1):c.2030G>A (p.Arg677His)

Gene: DVL1 (dishevelled segment polarity protein 1; minus strand). Cytogenetic location: 1p36.33.
Variant type: single nucleotide variant.
Coding change: c.2030G>A on transcript NM_001330311.2 (MANE Select); coding-DNA position 2030, G replaced by A.
Protein change: p.Arg677His; replaces arginine 677 with histidine.
Molecular consequence: missense variant.
Genome position (GRCh38, 1-based): chr1:1,336,200, C>T on the plus strand (G>A on the coding strand, the complement: DVL1 is on the minus strand). VCF-style: chr1-1336200-C-T. GRCh37 (hg19) VCF-style: chr1-1271580-C-T.
Other names: c.1955G>A, p.Arg652His (NM_004421.3); c.1955G>A (NM_004421.2); short protein forms R652H, R677H.
Identifiers: ClinVar variation 1054652 (VCV001054652.10), dbSNP rs376204834, ClinGen allele CA519740.